The following is an entry in ClinVar:

GRCh37/hg19 12q14.3-21.1(chr12:65251705-75263379)x1

Genes: ATXN7L3B (ataxin 7 like 3B; plus strand), PTPRB (protein tyrosine phosphatase receptor type B; minus strand), PTPRR (protein tyrosine phosphatase receptor type R; minus strand), CAND1 (cullin associated and neddylation dissociated 1; plus strand), CCT2 (chaperonin containing TCP1 subunit 2; plus strand) and 39 more. Cytogenetic location: 12q14.3-21.1.
Variant type: copy number loss.
Change: copy number 1 (one copy instead of two) of chr12:65,251,705-75,263,379 (10.01 Mb, GRCh37 coordinates, 1-based), cytogenetic band 12q14.3-21.1.
Identifiers: ClinVar variation 1180525 (VCV001180525.4).

ClinVar aggregate classification (germline): Pathogenic (1 of 4 stars; one submission).

Submission:

Illumina Laboratory Services, Illumina
Classification: Pathogenic. Last evaluated: 2020-05-22. Review status: criteria provided, single submitter. Criteria: ICSL CNVClassificationCriteria Jul2020Prior. Collection method: clinical testing. Allele origin: unknown.
Comment: This CNV is a 10.0 Mb deletion of 12q14.3-q21.1 on chromosome 12 (seq[GRCh37]del(12)(q14.3q21.1); chr12:g.65251705_75263379del), found in a de novo state. This loss encompasses over 65 genes and includes most of band 12q14.3, all of band 12q15 and most of band 12q21.1. The proximal breakpoint lies within the TBC1D30 gene and the distal breakpoint lies between the ATXN7L3B gene, which is encompassed by this event, and the KCNC2 gene, which is not encompassed by this event. Interstitial 12q deletions are rare and, in most cases, breakpoints are unique and non-recurrent. However, several partially overlapping and smaller losses falling within the boundaries of this event have been reported in individuals with phenotypes including prenatal and postnatal growth deficiency, neurodevelopmental disorders and variable congenital anomalies (Firth et al. 2009; Rehm et al. 2015). Smaller de novo and familial 12q14 deletions including LEMD3, associated with autosomal dominant osteopoikilosis and HMGA2, implicated in growth, have been reported in individuals with prenatal-onset growth deficiency, failure to thrive in early childhood, proportionate short stature, osteopoikilosis, learning disabilities, mild intellectual disability and dysmorphic features often described as Russell-Silver like (Fischetto et al. 2017; Heldt et al. 2018). Vergult et al. (2011) described three unique but overlapping deletions impacting band 12q15 and report developmental delay, nasal speech and hypothyroidism as core features associated with deletions of this region. Additional features in these individuals included variable dysmorphic features, thin habitus with slender fingers and toes, hypoplastic nails, mild scoliosis and, in one individual, a history of acute lymphoblastic leukemia (2011). Haploinsufficiency of CNOT2 may be a significant contributor to this phenotype, although other genes with evidence supporting an intolerance to loss of function are present in this interval (Uehara et al. 2019). Rare events which also extend into 12q21.1 are also rarely described and are associated with variable phenotypes (Schluth et al. 2008). This interval also includes WIF1, which has been reported as a candidate gene for a Nail-Patella like syndrome in a multi-generational family (Jones et al. 2017). Overlapping losses are not reported in control individuals. Based on the collective evidence, this CNV is classified as pathogenic.

Literature cited by the submitters: PubMed 19344873; PubMed 21505450; PubMed 26014595; PubMed 28383544; PubMed 28407409; PubMed 29501611; PubMed 30768759.